The following is an entry in ClinVar:

NM_000017.4(ACADS):c.88C>T (p.Gln30Ter)

Gene: ACADS (acyl-CoA dehydrogenase short chain; plus strand). Cytogenetic location: 12q24.31.
Variant type: single nucleotide variant.
Coding change: c.88C>T on transcript NM_000017.4 (MANE Select); coding-DNA position 88, C replaced by T.
Protein change: p.Gln30Ter; replaces glutamine 30 with a stop codon.
Molecular consequence: nonsense.
Genome position (GRCh38, 1-based): chr12:120,727,067, C>T. VCF-style: chr12-120727067-C-T. GRCh37 (hg19) VCF-style: chr12-121164870-C-T.
Other names: c.88C>T, p.Gln30Ter (NM_001302554.2); short protein forms Q30*.
Identifiers: ClinVar variation 2039130 (VCV002039130.1), dbSNP rs2501155398, ClinGen allele CA386612869.

ClinVar aggregate classification (germline): Pathogenic (1 of 4 stars; one submission).

Conditions:
Deficiency of butyryl-CoA dehydrogenase (ACADSD). Also called: SCAD Deficiency; ACYL-CoA DEHYDROGENASE, SHORT-CHAIN, DEFICIENCY OF; ACADS DEFICIENCY; SCADH DEFICIENCY; Short-Chain Acyl-CoA Dehydrogenase Deficiency; SCAD DEFICIENCY, MILD. Identifiers: Orphanet 26792, MedGen C0342783, MONDO:0008722, OMIM 201470. Disease mechanism: May be benign.

Allele frequency attached by ClinVar (database versions not stated): gnomAD exomes below 0.00001.
gnomAD v4.1: 1 of 1,614,176 alleles (0.000062%); highest among the groups gnomAD compares: Middle Eastern, 0.016%; no homozygotes.

Submission:

Labcorp Genetics (formerly Invitae), Labcorp
Classification: Pathogenic for Deficiency of butyryl-CoA dehydrogenase. Last evaluated: 2022-06-27. Review status: criteria provided, single submitter. Criteria: Invitae Variant Classification Sherloc (09022015). Collection method: clinical testing. Allele origin: germline.
Comment: This sequence change creates a premature translational stop signal (p.Gln30*) in the ACADS gene. It is expected to result in an absent or disrupted protein product. Loss-of-function variants in ACADS are known to be pathogenic (PMID: 12736383, 18523805). This variant is not present in population databases (gnomAD no frequency). This variant has not been reported in the literature in individuals affected with ACADS-related conditions. For these reasons, this variant has been classified as Pathogenic.

Literature cited by the submitters: PubMed 12736383; PubMed 18523805.